The following is an entry in ClinVar:

NM_003000.3(SDHB):c.50C>T (p.Thr17Ile)

Genes: SDHB (succinate dehydrogenase complex iron sulfur subunit B; minus strand), LOC129929542 (ATAC-STARR-seq lymphoblastoid active region 277; plus strand). Cytogenetic location: 1p36.13.
Variant type: single nucleotide variant.
Coding change: c.50C>T on transcript NM_003000.3 (MANE Select); coding-DNA position 50, C replaced by T.
Protein change: p.Thr17Ile; replaces threonine 17 with isoleucine.
Molecular consequence: missense variant.
Genome position (GRCh38, 1-based): chr1:17,053,970, G>A on the plus strand (C>T on the coding strand, the complement: SDHB is on the minus strand). VCF-style: chr1-17053970-G-A. GRCh37 (hg19) VCF-style: chr1-17380465-G-A.
Other names: short protein forms T17I.
Identifiers: ClinVar variation 459151 (VCV000459151.22), dbSNP rs138979875, ClinGen allele CA089635.
Genomic context (GRCh38, chr1:17,053,970, plus strand): 5'-TTTCCTGACTTTTCCCTCTCTGAGGCTCCAGGACTCACCTGCAGGCAGGCTCCGCCAAGG[G>A]TTGTGGCCGGCAACCGGCGCCTCAAGGAGAGGGCGACCACCGCCGCCATCTTGGCTCCTG-3'
Protein context (NP_002991.2, residues 7-27): LSLRRRLPAT[Thr17Ile]LGGACLQASR

ClinVar aggregate classification (germline): Uncertain significance. Review status: criteria provided, multiple submitters, no conflicts (2 of 4 stars). 8 submissions from 8 submitters: Uncertain significance (8). Last evaluated 2025-12-01.

Conditions:
Pheochromocytoma/paraganglioma syndrome 4. Also called: PARAGANGLIOMA, FAMILIAL MALIGNANT; PARAGANGLIOMAS, HEREDITARY EXTRAADRENAL; PHEOCHROMOCYTOMA, FAMILIAL EXTRAADRENAL; SDHB-Related Hereditary Paraganglioma-Pheochromocytoma Syndrome (Paragangliomas 4); Paragangliomas 4; CAROTID BODY TUMORS AND MULTIPLE EXTRAADRENAL PHEOCHROMOCYTOMAS. Identifiers: Orphanet 29072, MedGen C1861848, MONDO:0007273, OMIM 115310.
Gastrointestinal stromal tumor. Also called: Gastrointestinal stromal tumor, somatic; Gastrointestinal stroma tumor. Identifiers: Orphanet 44890, MedGen C0238198, MeSH D046152, MONDO:0011719, OMIM 606764, HP:0100723.
Pheochromocytoma. Also called: MAX-Related Hereditary Paraganglioma-Pheochromocytoma Syndrome. Identifiers: Orphanet 29072, MedGen C0031511, MONDO:0008233, OMIM 171300, HP:0002666.
SDHB-related disorder. Also called: SDHB-related condition; SDHB-related disorders. Identifiers: MedGen CN239418.
Hereditary cancer-predisposing syndrome. Also called: Tumor predisposition; Hereditary neoplastic syndrome; Neoplastic Syndromes, Hereditary; Hereditary Cancer Syndrome. Identifiers: Orphanet 140162, MedGen C0027672, MeSH D009386, MONDO:0015356.
Cowden syndrome (CS). Also called: Cowden's disease; Cowden's syndrome; Cowden disease. Identifiers: Orphanet 201, MedGen C0018553, MONDO:0016063. Disease mechanism: gain of function.
Hereditary pheochromocytoma and paraganglioma. Also called: Hereditary pheochromocytoma-paraganglioma; Hereditary Paraganglioma-Pheochromocytoma Syndromes; Hereditary paragangliomas and pheochromocytomas. Identifiers: Orphanet 29072, MedGen C4274332, MONDO:0017366.

Allele frequency attached by ClinVar (database versions not stated): gnomAD 0.00001; ExAC 0.00002; gnomAD exomes 0.00002; TOPMed 0.00003; ESP Exome Variant Server 0.00008.
gnomAD v4.1: 22 of 1,613,078 alleles (0.0014%); highest among the groups gnomAD compares: Non-Finnish European, 0.00051%; no homozygotes.

Submissions (8):

Labcorp Genetics (formerly Invitae), Labcorp
Classification: Uncertain significance for Gastrointestinal stromal tumor; Pheochromocytoma/paraganglioma syndrome 4; Pheochromocytoma. Last evaluated: 2025-12-01. Review status: criteria provided, single submitter. Criteria: Invitae Variant Classification Sherloc (09022015). Collection method: clinical testing. Allele origin: germline.
Comment: This sequence change replaces threonine, which is neutral and polar, with isoleucine, which is neutral and non-polar, at codon 17 of the SDHB protein (p.Thr17Ile). This variant is present in population databases (rs138979875, gnomAD 0.03%). This variant has not been reported in the literature in individuals affected with SDHB-related conditions. ClinVar contains an entry for this variant (Variation ID: 459151). Invitae Evidence Modeling of protein sequence and biophysical properties (such as structural, functional, and spatial information, amino acid conservation, physicochemical variation, residue mobility, and thermodynamic stability) indicates that this missense variant is not expected to disrupt SDHB protein function with a negative predictive value of 95%. In summary, the available evidence is currently insufficient to determine the role of this variant in disease. Therefore, it has been classified as a Variant of Uncertain Significance.

GeneDx
Classification: Uncertain significance. Last evaluated: 2025-08-13. Review status: criteria provided, single submitter. Criteria: GeneDx Variant Classification Process June 2021. Collection method: clinical testing. Allele origin: germline. Affected: yes.
Comment: In silico analysis suggests that this missense variant does not alter protein structure/function; Has not been previously published as pathogenic or benign to our knowledge

PreventionGenetics, part of Exact Sciences
Classification: Uncertain significance for SDHB-related condition. Last evaluated: 2025-06-25. Review status: criteria provided, single submitter. Criteria: ACMG Guidelines, 2015. Collection method: clinical testing. Allele origin: germline.
Comment: The SDHB c.50C>T variant is predicted to result in the amino acid substitution p.Thr17Ile. To our knowledge, this variant has not been reported in the literature. This variant is reported in 0.030% of alleles in individuals of Ashkenazi Jewish descent in gnomAD. This variant is reported as uncertain in ClinVar. At this time, the clinical significance of this variant is uncertain due to the absence of conclusive functional and genetic evidence.

Quest Diagnostics Nichols Institute San Juan Capistrano
Classification: Uncertain significance. Last evaluated: 2024-12-18. Review status: criteria provided, single submitter. Criteria: Quest Diagnostics criteria. Collection method: clinical testing. Allele origin: unknown.

Ambry Genetics
Classification: Uncertain significance for Hereditary cancer-predisposing syndrome. Last evaluated: 2024-09-10. Review status: criteria provided, single submitter. Criteria: Ambry Variant Classification Scheme 2023. Collection method: clinical testing. Allele origin: germline.
Comment: The p.T17I variant (also known as c.50C>T), located in coding exon 1 of the SDHB gene, results from a C to T substitution at nucleotide position 50. The threonine at codon 17 is replaced by isoleucine, an amino acid with similar properties. This amino acid position is poorly conserved in available vertebrate species. In addition, this alteration is predicted to be tolerated by in silico analysis. Since supporting evidence is limited at this time, the clinical significance of this alteration remains unclear.

Color Diagnostics, LLC DBA Color Health
Classification: Uncertain significance for Hereditary pheochromocytoma and paraganglioma. Last evaluated: 2024-01-30. Review status: criteria provided, single submitter. Criteria: ACMG Guidelines, 2015. Collection method: clinical testing. Allele origin: germline.
Comment: This missense variant replaces threonine with isoleucine at codon 17 of the SDHB protein. Computational prediction suggests that this variant may not impact protein structure and function. To our knowledge, functional studies have not been reported for this variant. This variant has not been reported in individuals affected with SDHB-related disorders in the literature. This variant has been identified in 5/243268 chromosomes in the general population by the Genome Aggregation Database (gnomAD). The available evidence is insufficient to determine the role of this variant in disease conclusively. Therefore, this variant is classified as a Variant of Uncertain Significance.

Baylor Genetics
Classification: Uncertain significance for Gastrointestinal stromal tumor. Last evaluated: 2023-08-31. Review status: criteria provided, single submitter. Criteria: ACMG Guidelines, 2015. Collection method: clinical testing. Allele origin: unknown.

Department of Pathology and Laboratory Medicine, Sinai Health System
Classification: Uncertain significance for Cowden syndrome. Last evaluated: 2023-06-06. Review status: criteria provided, single submitter. Criteria: ACMG Guidelines, 2015. Collection method: clinical testing. Allele origin: germline. Affected: yes.